The following is an entry in ClinVar:

NM_133433.4(NIPBL):c.6273T>G (p.Cys2091Trp)

Gene: NIPBL (NIPBL cohesin loading factor; plus strand). Cytogenetic location: 5p13.2.
Variant type: single nucleotide variant.
Coding change: c.6273T>G on transcript NM_133433.4 (MANE Select); coding-DNA position 6273, T replaced by G.
Protein change: p.Cys2091Trp; replaces cysteine 2091 with tryptophan.
Molecular consequence: missense variant.
Genome position (GRCh38, 1-based): chr5:37,044,659, T>G. VCF-style: chr5-37044659-T-G. GRCh37 (hg19) VCF-style: chr5-37044761-T-G.
Other names: c.6273T>G, p.Cys2091Trp (NM_015384.5); short protein forms C2091W.
Identifiers: ClinVar variation 3635355 (VCV003635355.2).

ClinVar aggregate classification (germline): Uncertain significance (1 of 4 stars; one submission).

Conditions:
Cornelia de Lange syndrome 1 (CDLS1). Also called: Brachmann de Lange syndrome; NIPBL-Related Cornelia de Lange Syndrome; TYPUS DEGENERATIVUS AMSTELODAMENSIS. Identifiers: Orphanet 199, MedGen C4551851, MONDO:0007387, OMIM 122470.

Submission:

Labcorp Genetics (formerly Invitae), Labcorp
Classification: Uncertain significance for Cornelia de Lange syndrome 1. Last evaluated: 2024-10-15. Review status: criteria provided, single submitter. Criteria: Invitae Variant Classification Sherloc (09022015). Collection method: clinical testing. Allele origin: germline.
Comment: This sequence change replaces cysteine, which is neutral and slightly polar, with tryptophan, which is neutral and slightly polar, at codon 2091 of the NIPBL protein (p.Cys2091Trp). This variant is not present in population databases (gnomAD no frequency). This missense change has been observed in individual(s) with clinical features of Cornelia de Lange syndrome (internal data). Invitae Evidence Modeling of protein sequence and biophysical properties (such as structural, functional, and spatial information, amino acid conservation, physicochemical variation, residue mobility, and thermodynamic stability) has been performed for this missense variant. However, the output from this modeling did not meet the statistical confidence thresholds required to predict the impact of this variant on NIPBL protein function. This variant disrupts the p.Cys2091 amino acid residue in NIPBL. Other variant(s) that disrupt this residue have been observed in individuals with NIPBL-related conditions (PMID: 25447906), which suggests that this may be a clinically significant amino acid residue. In summary, the available evidence is currently insufficient to determine the role of this variant in disease. Therefore, it has been classified as a Variant of Uncertain Significance.

Literature cited by the submitters: PubMed 25447906.